The following is an entry in ClinVar:

ClinVar aggregate classification (germline): Likely benign (1 of 4 stars; one submission).

Allele frequency attached by ClinVar (database versions not stated): gnomAD exomes below 0.00001.
gnomAD v4.1: 2 of 1,613,946 alleles (0.00012%); highest among the groups gnomAD compares: Non-Finnish European, 0.00017%; no homozygotes.

Submission:

CeGaT Center for Human Genetics Tuebingen
Classification: Likely benign. Last evaluated: 2022-03-01. Review status: criteria provided, single submitter. Criteria: CeGaT Center For Human Genetics Tuebingen Variant Classification Criteria Version 2. Collection method: clinical testing. Allele origin: germline. Affected: yes. Observed: 1 variant allele.
Comment: KDM6B: PM2:Supporting, BP4, BP7

NM_001348716.2(KDM6B):c.4182C>T (p.Asn1394=)

Genes: KDM6B (lysine demethylase 6B; plus strand), LOC121587574 (Sharpr-MPRA regulatory region 3930; plus strand). Cytogenetic location: 17p13.1.
Variant type: single nucleotide variant.
Coding change: c.4182C>T on transcript NM_001348716.2 (MANE Select); coding-DNA position 4182, C replaced by T.
Protein change: p.Asn1394=; no amino-acid change (asparagine 1394 retained).
Molecular consequence: synonymous variant.
Genome position (GRCh38, 1-based): chr17:7,851,967, C>T. VCF-style: chr17-7851967-C-T. GRCh37 (hg19) VCF-style: chr17-7755285-C-T.
Other names: c.4182C>T, p.Asn1394= (NM_001080424.2).
Identifiers: ClinVar variation 2647413 (VCV002647413.24), dbSNP rs2544533833, ClinGen allele CA497948670.
Genomic context (GRCh38, chr17:7,851,967, plus strand): 5'-GTTCCGACCTGGCCAGCCATGCCGTTCTCTGTCGACCCCTGCAGGCCACCAGGAGAATAA[C>T]AACTTCTGCTCCGTCAACATCAACATTGGCCCAGGCGACTGCGAGTGGTTCGCGGTGCAC-3'
Protein context (NP_001335645.1, residues 1384-1404): GSRTPGHQEN[Asn1394=]NFCSVNINIG